The following is an entry in ClinVar:

ClinVar aggregate classification (germline): Uncertain significance (1 of 4 stars; one submission).

Conditions:
Charcot-Marie-Tooth disease dominant intermediate E. Also called: CHARCOT-MARIE-TOOTH NEUROPATHY WITH FOCAL SEGMENTAL GLOMERULONEPHRITIS. Identifiers: Orphanet 93114, MedGen C4302667, MONDO:0013758, OMIM 614455.
Focal segmental glomerulosclerosis 5 (FSGS5). Identifiers: Orphanet 656, MedGen C2750475, MONDO:0013191, OMIM 613237.

Submission:

Labcorp Genetics (formerly Invitae), Labcorp
Classification: Uncertain significance for Charcot-Marie-Tooth disease dominant intermediate E; Focal segmental glomerulosclerosis 5. Last evaluated: 2022-04-04. Review status: criteria provided, single submitter. Criteria: Invitae Variant Classification Sherloc (09022015). Collection method: clinical testing. Allele origin: germline.
Comment: This sequence change replaces valine, which is neutral and non-polar, with leucine, which is neutral and non-polar, at codon 102 of the INF2 protein (p.Val102Leu). This variant is not present in population databases (gnomAD no frequency). This variant has not been reported in the literature in individuals affected with INF2-related conditions. Algorithms developed to predict the effect of missense changes on protein structure and function are either unavailable or do not agree on the potential impact of this missense change (SIFT: "Tolerated"; PolyPhen-2: "Probably Damaging"; Align-GVGD: "Class C0"). In summary, the available evidence is currently insufficient to determine the role of this variant in disease. Therefore, it has been classified as a Variant of Uncertain Significance.

NM_022489.4(INF2):c.304G>C (p.Val102Leu)

Gene: INF2 (inverted formin 2; plus strand). Cytogenetic location: 14q32.33.
Variant type: single nucleotide variant.
Coding change: c.304G>C on transcript NM_022489.4 (MANE Select); coding-DNA position 304, G replaced by C.
Protein change: p.Val102Leu; replaces valine 102 with leucine.
Molecular consequence: missense variant.
Genome position (GRCh38, 1-based): chr14:104,701,669, G>C. VCF-style: chr14-104701669-G-C. GRCh37 (hg19) VCF-style: chr14-105168006-G-C.
Other names: c.304G>C, p.Val102Leu (NM_001031714.4, NM_032714.3); short protein forms V102L.
Identifiers: ClinVar variation 2121270 (VCV002121270.4), dbSNP rs1163840251, ClinGen allele CA391225838.